The following is an entry in ClinVar:

ClinVar aggregate classification (germline): Uncertain significance. Review status: criteria provided, multiple submitters, no conflicts (2 of 4 stars). 2 submissions from 2 submitters: Uncertain significance (2). Last evaluated 2025-12-10.

Conditions:
Inborn genetic diseases. Identifiers: MedGen C0950123, MeSH D030342.

Allele frequency attached by ClinVar (database versions not stated): gnomAD exomes 0.00001; ExAC 0.00001.
gnomAD v4.1: 8 of 1,613,826 alleles (0.0005%); highest among the groups gnomAD compares: Non-Finnish European, 0.00068%; no homozygotes.

Submissions (2):

Ambry Genetics
Classification: Uncertain significance for Inborn genetic diseases. Last evaluated: 2025-12-10. Review status: criteria provided, single submitter. Criteria: Ambry Variant Classification Scheme 2023. Collection method: clinical testing. Allele origin: germline.

Mayo Clinic Laboratories, Mayo Clinic
Classification: Uncertain significance. Last evaluated: 2022-08-31. Review status: criteria provided, single submitter. Criteria: ACMG Guidelines, 2015. Collection method: clinical testing. Allele origin: germline. Observed: 1 variant allele.
Comment: PP3, PM2

NM_016239.4(MYO15A):c.8371G>A (p.Ala2791Thr)

Gene: MYO15A (myosin XVA; plus strand). Cytogenetic location: 17p11.2.
Variant type: single nucleotide variant.
Coding change: c.8371G>A on transcript NM_016239.4 (MANE Select); coding-DNA position 8371, G replaced by A.
Protein change: p.Ala2791Thr; replaces alanine 2791 with threonine.
Molecular consequence: missense variant.
Genome position (GRCh38, 1-based): chr17:18,155,344, G>A. VCF-style: chr17-18155344-G-A. GRCh37 (hg19) VCF-style: chr17-18058658-G-A.
Other names: p.Ala2791Thr; short protein forms A2791T.
Identifiers: ClinVar variation 2683413 (VCV002683413.2), dbSNP rs772298189, ClinGen allele CA8425143.